The following is an entry in ClinVar:

ClinVar aggregate classification (germline): Uncertain significance. Review status: criteria provided, multiple submitters, no conflicts (2 of 4 stars). 2 submissions from 2 submitters: Uncertain significance (2). Last evaluated 2025-01-06.

Conditions:
Inborn genetic diseases. Identifiers: MedGen C0950123, MeSH D030342.

Allele frequency attached by ClinVar (database versions not stated): gnomAD 0.00001; TOPMed 0.00001.
gnomAD v4.1: 10 of 1,613,852 alleles (0.00062%); highest among the groups gnomAD compares: Non-Finnish European, 0.00085%; no homozygotes.

Submissions (2):

Women's Health and Genetics/Laboratory Corporation of America, LabCorp
Classification: Uncertain significance. Last evaluated: 2025-01-06. Review status: criteria provided, single submitter. Criteria: LabCorp Variant Classification Summary - May 2015. Collection method: clinical testing. Allele origin: germline.
Comment: Variant summary: KIF21A c.2497C>G (p.Leu833Val) results in a conservative amino acid change in the encoded protein sequence. Three of five in-silico tools predict a benign effect of the variant on protein function. The variant allele was found at a frequency of 4e-06 in 251228 control chromosomes. The available data on variant occurrences in the general population are insufficient to allow any conclusion about variant significance. To our knowledge, no occurrence of c.2497C>G in individuals affected with KIF21A-Related Disorders and no experimental evidence demonstrating its impact on protein function have been reported. ClinVar contains an entry for this variant (Variation ID: 2292408). Based on the evidence outlined above, the variant was classified as uncertain significance.

Ambry Genetics
Classification: Uncertain significance for Inborn genetic diseases. Last evaluated: 2022-05-31. Review status: criteria provided, single submitter. Criteria: Ambry Variant Classification Scheme 2023. Collection method: clinical testing. Allele origin: germline.

NM_001173464.2(KIF21A):c.2497C>G (p.Leu833Val)

Gene: KIF21A (kinesin family member 21A; minus strand). Cytogenetic location: 12q12.
Variant type: single nucleotide variant.
Coding change: c.2497C>G on transcript NM_001173464.2 (MANE Select); coding-DNA position 2497, C replaced by G.
Protein change: p.Leu833Val; replaces leucine 833 with valine.
Molecular consequence: missense variant.
Genome position (GRCh38, 1-based): chr12:39,333,098, G>C on the plus strand (C>G on the coding strand, the complement: KIF21A is on the minus strand). VCF-style: chr12-39333098-G-C. GRCh37 (hg19) VCF-style: chr12-39726900-G-C.
Other names: c.2458C>G, p.Leu820Val (NM_001173463.2, NM_001378441.1, NM_017641.4); c.2389C>G, p.Leu797Val (NM_001173465.2); c.2497C>G, p.Leu833Val (NM_001378439.1, NM_001378440.1); short protein forms L820V, L833V, L797V.
Identifiers: ClinVar variation 2292408 (VCV002292408.4), dbSNP rs979633626, ClinGen allele CA235294514.